The following is an entry in ClinVar:

NM_000836.4(GRIN2D):c.1562G>A (p.Trp521Ter)

Gene: GRIN2D (glutamate ionotropic receptor NMDA type subunit 2D; plus strand). Cytogenetic location: 19q13.33.
Variant type: single nucleotide variant.
Coding change: c.1562G>A on transcript NM_000836.4 (MANE Select); coding-DNA position 1562, G replaced by A.
Protein change: p.Trp521Ter; replaces tryptophan 521 with a stop codon.
Molecular consequence: nonsense.
Genome position (GRCh38, 1-based): chr19:48,415,013, G>A. VCF-style: chr19-48415013-G-A. GRCh37 (hg19) VCF-style: chr19-48918270-G-A.
Other names: short protein forms W521*.
Identifiers: ClinVar variation 3342939 (VCV003342939.2).

ClinVar aggregate classification (germline): Uncertain significance (1 of 4 stars; one submission).

Submission:

GeneDx
Classification: Uncertain significance. Last evaluated: 2025-07-23. Review status: criteria provided, single submitter. Criteria: GeneDx Variant Classification Process June 2021. Collection method: clinical testing. Allele origin: germline.
Comment: Not observed at significant frequency in large population cohorts (gnomAD); Nonsense variant predicted to result in protein truncation or nonsense mediated decay in a gene or region of a gene for which loss of function is not a well-established mechanism of disease; Has not been previously published as pathogenic or benign to our knowledge